The following is an entry in ClinVar:

ClinVar aggregate classification (germline): Likely benign. Review status: criteria provided, single submitter (1 of 4 stars). 2 submissions from 2 submitters: Likely benign (1). 1 of the submissions does not count toward it. Last evaluated 2024-11-01.

Conditions:
ACTN3-related disorder. Also called: ACTN3-related condition.

Allele frequency attached by ClinVar (database versions not stated): ExAC 0.00260; gnomAD 0.00649; ESP Exome Variant Server 0.00675; TOPMed 0.00716; 1000 Genomes Project 0.00938; 1000 Genomes Project 30x 0.01046.
gnomAD v4.1: 1,791 of 1,548,950 alleles (0.12%); highest among the groups gnomAD compares: African/African-American, 2.1%; 26 homozygotes.

Submissions (2):

Blueprint Genetics
Classification: Likely benign. Last evaluated: 2024-11-01. Review status: criteria provided, single submitter. Criteria: ACMG Guidelines, 2015. Collection method: clinical testing. Allele origin: germline.

PreventionGenetics, part of Exact Sciences
Classification: Benign for ACTN3-related condition. Last evaluated: 2020-01-06. Review status: no assertion criteria provided. Collection method: clinical testing. Allele origin: germline. Not counted in ClinVar's aggregate classification.
Comment: This variant is classified as benign based on ACMG/AMP sequence variant interpretation guidelines (Richards et al. 2015 PMID: 25741868, with internal and published modifications).

NM_001104.4(ACTN3):c.1410G>A (p.Ala470=)

Gene: ACTN3 (actinin alpha 3; plus strand). Cytogenetic location: 11q13.2.
Variant type: single nucleotide variant.
Coding change: c.1410G>A on transcript NM_001104.4 (MANE Select); coding-DNA position 1410, G replaced by A.
Protein change: p.Ala470=; no amino-acid change (alanine 470 retained).
Molecular consequence: synonymous variant.
Genome position (GRCh38, 1-based): chr11:66,559,369, G>A. VCF-style: chr11-66559369-G-A. GRCh37 (hg19) VCF-style: chr11-66326840-G-A.
Other names: c.1539G>A, p.Ala513= (NM_001258371.3).
Identifiers: ClinVar variation 3034423 (VCV003034423.3), dbSNP rs114371258, ClinGen allele CA6124695.